The following is an entry in ClinVar:

NM_024649.5(BBS1):c.771T>G (p.Phe257Leu)

Genes: BBS1 (Bardet-Biedl syndrome 1; plus strand), ZDHHC24 (zDHHC palmitoyltransferase 24; minus strand). Cytogenetic location: 11q13.2.
Variant type: single nucleotide variant.
Coding change: c.771T>G on transcript NM_024649.5 (MANE Select); coding-DNA position 771, T replaced by G.
Protein change: p.Phe257Leu; replaces phenylalanine 257 with leucine.
Molecular consequence: missense variant. On other transcripts: 3 prime UTR variant (1).
Genome position (GRCh38, 1-based): chr11:66,521,317, T>G. VCF-style: chr11-66521317-T-G. GRCh37 (hg19) VCF-style: chr11-66288788-T-G.
Other names: c.*171A>C (NM_001348571.2); short protein forms F257L.
Identifiers: ClinVar variation 934549 (VCV000934549.7), dbSNP rs367686869, ClinGen allele CA381459372.

ClinVar aggregate classification (germline): Uncertain significance (1 of 4 stars; one submission).

Conditions:
Bardet-Biedl syndrome (BBS). Identifiers: Orphanet 110, MedGen C0752166, MONDO:0015229.

Allele frequency attached by ClinVar (database versions not stated): gnomAD exomes below 0.00001; TOPMed 0.00001.
gnomAD v4.1: 1 of 1,614,250 alleles (0.000062%); highest among the groups gnomAD compares: East Asian, 0.0022%; no homozygotes.

Submission:

Labcorp Genetics (formerly Invitae), Labcorp
Classification: Uncertain significance for Bardet-Biedl syndrome. Last evaluated: 2021-08-31. Review status: criteria provided, single submitter. Criteria: Invitae Variant Classification Sherloc (09022015). Collection method: clinical testing. Allele origin: germline.
Comment: This sequence change replaces phenylalanine with leucine at codon 257 of the BBS1 protein (p.Phe257Leu). The phenylalanine residue is moderately conserved and there is a small physicochemical difference between phenylalanine and leucine. This variant is not present in population databases (ExAC no frequency). This variant has not been reported in the literature in individuals affected with BBS1-related conditions. Algorithms developed to predict the effect of missense changes on protein structure and function are either unavailable or do not agree on the potential impact of this missense change (SIFT: "Deleterious"; PolyPhen-2: "Benign"; Align-GVGD: "Class C0"). In summary, the available evidence is currently insufficient to determine the role of this variant in disease. Therefore, it has been classified as a Variant of Uncertain Significance.